The following is an entry in ClinVar:

ClinVar aggregate classification (germline): Pathogenic. Review status: criteria provided, multiple submitters, no conflicts (2 of 4 stars). 3 submissions from 3 submitters: Pathogenic (3). Last evaluated 2025-03-28.

Conditions:
Ichthyosis linearis circumflexa. Identifiers: MedGen C0265962, MONDO:0043106, HP:0025810.
Netherton syndrome (NETH). Also called: ERYTHRODERMA, ICHTHYOSIFORM, WITH HYPOTRICHOSIS AND HYPER-IgE; COMEL-NETHERTON SYNDROME; NETHERTON DISEASE. Identifiers: Orphanet 634, MedGen C5574950, MONDO:0009735, OMIM 256500.

Allele frequency attached by ClinVar (database versions not stated): TOPMed 0.00001.

Submissions (3):

GeneDx
Classification: Pathogenic. Last evaluated: 2025-03-28. Review status: criteria provided, single submitter. Criteria: GeneDx Variant Classification Process June 2021. Collection method: clinical testing. Allele origin: germline. Affected: yes.
Comment: Has not been previously published as pathogenic or benign to our knowledge; Nonsense variant predicted to result in protein truncation or nonsense mediated decay in a gene for which loss of function is a known mechanism of disease; Not observed at significant frequency in large population cohorts (gnomAD)

Labcorp Genetics (formerly Invitae), Labcorp
Classification: Pathogenic for Ichthyosis linearis circumflexa. Last evaluated: 2024-12-03. Review status: criteria provided, single submitter. Criteria: Invitae Variant Classification Sherloc (09022015). Collection method: clinical testing. Allele origin: germline.
Comment: This sequence change creates a premature translational stop signal (p.Tyr363*) in the SPINK5 gene. It is expected to result in an absent or disrupted protein product. Loss-of-function variants in SPINK5 are known to be pathogenic (PMID: 11511292, 11841556). This variant is present in population databases (no rsID available, gnomAD 0.003%). This variant has not been reported in the literature in individuals affected with SPINK5-related conditions. ClinVar contains an entry for this variant (Variation ID: 646119). For these reasons, this variant has been classified as Pathogenic.

Mendelics
Classification: Pathogenic for Netherton syndrome. Last evaluated: 2019-05-28. Review status: criteria provided, single submitter. Criteria: Mendelics Assertion Criteria 2017. Collection method: clinical testing. Allele origin: unknown.

Literature cited by the submitters: PubMed 11511292 (cited by Labcorp Genetics (formerly Invitae), Labcorp); PubMed 11841556 (cited by Labcorp Genetics (formerly Invitae), Labcorp).

NM_006846.4(SPINK5):c.1089T>G (p.Tyr363Ter)

Gene: SPINK5 (serine peptidase inhibitor Kazal type 5; plus strand). Cytogenetic location: 5q32.
Variant type: single nucleotide variant.
Coding change: c.1089T>G on transcript NM_006846.4 (MANE Select); coding-DNA position 1089, T replaced by G.
Protein change: p.Tyr363Ter; replaces tyrosine 363 with a stop codon.
Molecular consequence: nonsense.
Genome position (GRCh38, 1-based): chr5:148,099,312, T>G. VCF-style: chr5-148099312-T-G. GRCh37 (hg19) VCF-style: chr5-147478875-T-G.
Other names: c.1089T>G, p.Tyr363Ter (NM_001127698.2, NM_001127699.2); short protein forms Y363*.
Identifiers: ClinVar variation 646119 (VCV000646119.10), dbSNP rs752777832, ClinGen allele CA361635902.